The following is an entry in ClinVar:

NM_003998.4(NFKB1):c.1752+2T>C

Genes: NFKB1 (nuclear factor kappa B subunit 1; plus strand), LOC126807127 (CDK7 strongly-dependent group 2 enhancer GRCh37_chr4:103521788-103522987; plus strand). Cytogenetic location: 4q24.
Variant type: single nucleotide variant.
Coding change: c.1752+2T>C on transcript NM_003998.4 (MANE Select); the canonical splice donor site of the intron after coding-DNA position 1752, T replaced by C.
Molecular consequence: splice donor variant.
Genome position (GRCh38, 1-based): chr4:102,601,011, T>C. VCF-style: chr4-102601011-T-C. GRCh37 (hg19) VCF-style: chr4-103522168-T-C.
Other names: c.1752+2T>C (NM_001382626.1, NM_001382625.1); c.1749+2T>C (NM_001382627.1, NM_001165412.2, NM_001319226.2); c.1710+2T>C (NM_001382628.1).
Identifiers: ClinVar variation 4712447 (VCV004712447.1).

ClinVar aggregate classification (germline): Likely pathogenic (1 of 4 stars; one submission).

Submission:

Labcorp Genetics (formerly Invitae), Labcorp
Classification: Likely pathogenic. Last evaluated: 2025-11-28. Review status: criteria provided, single submitter. Criteria: Invitae Variant Classification Sherloc (09022015). Collection method: clinical testing. Allele origin: germline.
Comment: This sequence change affects a donor splice site in intron 16 of the NFKB1 gene. It is expected to disrupt RNA splicing. Variants that disrupt the donor or acceptor splice site typically lead to a loss of protein function (PMID: 16199547), and loss-of-function variants in NFKB1 are known to be pathogenic (PMID: 26279205, 29477724). This variant is not present in population databases (gnomAD no frequency). This variant has not been reported in the literature in individuals affected with NFKB1-related conditions. Algorithms developed to predict the effect of sequence changes on RNA splicing suggest that this variant may disrupt the consensus splice site. In summary, the currently available evidence indicates that the variant is pathogenic, but additional data are needed to prove that conclusively. Therefore, this variant has been classified as Likely Pathogenic.

Literature cited by the submitters: PubMed 16199547; PubMed 26279205; PubMed 29477724.